The following is an entry in ClinVar:

ClinVar aggregate classification (germline): Uncertain significance (1 of 4 stars; one submission).

gnomAD v4.1: 2 of 1,609,450 alleles (0.00012%); highest among the groups gnomAD compares: Non-Finnish European, 0.00017%; no homozygotes.

Submission:

Women's Health and Genetics/Laboratory Corporation of America, LabCorp
Classification: Uncertain significance. Last evaluated: 2024-12-04. Review status: criteria provided, single submitter. Criteria: LabCorp Variant Classification Summary - May 2015. Collection method: clinical testing. Allele origin: germline.
Comment: Variant summary: ADGRV1 c.2009C>A (p.Ala670Asp) results in a non-conservative amino acid change in the encoded protein sequence. Three of five in-silico tools predict a damaging effect of the variant on protein function. The variant allele was found at a frequency of 4.1e-06 in 244962 control chromosomes. The available data on variant occurrences in the general population are insufficient to allow any conclusion about variant significance. To our knowledge, no occurrence of c.2009C>A in individuals affected with ADGRV1-Related Disorders and no experimental evidence demonstrating its impact on protein function have been reported. No submitters have cited clinical-significance assessments for this variant to ClinVar. Based on the evidence outlined above, the variant was classified as uncertain significance.

NM_032119.4(ADGRV1):c.2009C>A (p.Ala670Asp)

Gene: ADGRV1 (adhesion G protein-coupled receptor V1; plus strand). Cytogenetic location: 5q14.3.
Variant type: single nucleotide variant.
Coding change: c.2009C>A on transcript NM_032119.4 (MANE Select); coding-DNA position 2009, C replaced by A.
Protein change: p.Ala670Asp; replaces alanine 670 with aspartic acid.
Molecular consequence: missense variant. On other transcripts: non-coding transcript variant (1).
Genome position (GRCh38, 1-based): chr5:90,635,283, C>A. VCF-style: chr5-90635283-C-A. GRCh37 (hg19) VCF-style: chr5-89931100-C-A.
Other names: short protein forms A670D.
Identifiers: ClinVar variation 3768257 (VCV003768257.1).